The following is an entry in ClinVar:

ClinVar aggregate classification (germline): Uncertain significance (1 of 4 stars; one submission).

Conditions:
Hypertrophic cardiomyopathy 26. Also called: Cardiomyopathy, familial hypertrophic, 26. Identifiers: Orphanet 75249, MedGen C4310749, MONDO:0014883, OMIM 617047.
Myofibrillar myopathy 5. Also called: Filaminopathy (type); FILAMINOPATHY, AUTOSOMAL DOMINANT. Identifiers: Orphanet 171445, MedGen C1836050, MONDO:0012289, OMIM 609524.
Distal myopathy with posterior leg and anterior hand involvement. Also called: WILLIAMS DISTAL MYOPATHY. Identifiers: Orphanet 63273, MedGen C3279722, MONDO:0013550, OMIM 614065.

Submission:

Labcorp Genetics (formerly Invitae), Labcorp
Classification: Uncertain significance for Distal myopathy with posterior leg and anterior hand involvement; Myofibrillar myopathy 5; Hypertrophic cardiomyopathy 26. Last evaluated: 2024-10-06. Review status: criteria provided, single submitter. Criteria: Invitae Variant Classification Sherloc (09022015). Collection method: clinical testing. Allele origin: germline.
Comment: This sequence change replaces leucine, which is neutral and non-polar, with valine, which is neutral and non-polar, at codon 73 of the FLNC protein (p.Leu73Val). This variant is not present in population databases (gnomAD no frequency). This variant has not been reported in the literature in individuals affected with FLNC-related conditions. Invitae Evidence Modeling of protein sequence and biophysical properties (such as structural, functional, and spatial information, amino acid conservation, physicochemical variation, residue mobility, and thermodynamic stability) has been performed for this missense variant. However, the output from this modeling did not meet the statistical confidence thresholds required to predict the impact of this variant on FLNC protein function. In summary, the available evidence is currently insufficient to determine the role of this variant in disease. Therefore, it has been classified as a Variant of Uncertain Significance.

NM_001458.5(FLNC):c.217C>G (p.Leu73Val)

Gene: FLNC (filamin C; plus strand). Cytogenetic location: 7q32.1.
Variant type: single nucleotide variant.
Coding change: c.217C>G on transcript NM_001458.5 (MANE Select); coding-DNA position 217, C replaced by G.
Protein change: p.Leu73Val; replaces leucine 73 with valine.
Molecular consequence: missense variant.
Genome position (GRCh38, 1-based): chr7:128,830,854, C>G. VCF-style: chr7-128830854-C-G. GRCh37 (hg19) VCF-style: chr7-128470908-C-G.
Other names: c.217C>G, p.Leu73Val (NM_001127487.2); short protein forms L73V.
Identifiers: ClinVar variation 3763362 (VCV003763362.2).